The following is an entry in ClinVar:

ClinVar aggregate classification (germline): Uncertain significance (1 of 4 stars; one submission).

Submission:

Labcorp Genetics (formerly Invitae), Labcorp
Classification: Uncertain significance. Last evaluated: 2022-05-05. Review status: criteria provided, single submitter. Criteria: Invitae Variant Classification Sherloc (09022015). Collection method: clinical testing. Allele origin: germline.
Comment: This variant has not been reported in the literature in individuals affected with TNNI3K-related conditions. In summary, the available evidence is currently insufficient to determine the role of this variant in disease. Therefore, it has been classified as a Variant of Uncertain Significance. This variant results in a copy number gain of the genomic region encompassing exon(s) 1-6 of the TNNI3K gene. This region includes the initiator codon of the gene. This copy number gain extends beyond the assayed region for this gene and therefore may encompass additional genes. As the precise location of this event is unknown, it may be in tandem or it may be located elsewhere in the genome.

NC_000001.10:g.(?_74701136)_(74797252_?)dup

Genes: FPGT-TNNI3K (FPGT-TNNI3K readthrough; plus strand), TNNI3K (TNNI3 interacting kinase; plus strand). Cytogenetic location: 1p31.1.
Variant type: Duplication.
Identifiers: ClinVar variation 2426254 (VCV002426254.4).